The following is an entry in ClinVar:

NM_203447.4(DOCK8):c.769C>T (p.Pro257Ser)

Gene: DOCK8 (dedicator of cytokinesis 8; plus strand). Cytogenetic location: 9p24.3.
Variant type: single nucleotide variant.
Coding change: c.769C>T on transcript NM_203447.4 (MANE Select); coding-DNA position 769, C replaced by T.
Protein change: p.Pro257Ser; replaces proline 257 with serine.
Molecular consequence: missense variant.
Genome position (GRCh38, 1-based): chr9:317,070, C>T. VCF-style: chr9-317070-C-T. GRCh37 (hg19) VCF-style: chr9-317070-C-T.
Other names: c.565C>T, p.Pro189Ser (NM_001190458.2, NM_001193536.2); short protein forms P257S, P189S.
Identifiers: ClinVar variation 962420 (VCV000962420.10), dbSNP rs748124810, ClinGen allele CA4957449.

ClinVar aggregate classification (germline): Uncertain significance (1 of 4 stars; one submission).

Conditions:
Combined immunodeficiency due to DOCK8 deficiency (HIES2). Also called: HIES autosomal recessive; DOCK8 Deficiency; Hyper-IgE recurrent infection syndrome, autosomal recessive; HYPER-IgE RECURRENT INFECTION SYNDROME 2, AUTOSOMAL RECESSIVE; HYPER-IgE SYNDROME 2, AUTOSOMAL RECESSIVE, WITH RECURRENT INFECTIONS. Identifiers: Orphanet 217390, MedGen C4722305, MONDO:0009478, OMIM 243700.

Allele frequency attached by ClinVar (database versions not stated): gnomAD exomes below 0.00001 and 0.00001; ExAC 0.00001.

Submission:

Labcorp Genetics (formerly Invitae), Labcorp
Classification: Uncertain significance for Combined immunodeficiency due to DOCK8 deficiency. Last evaluated: 2019-09-11. Review status: criteria provided, single submitter. Criteria: Invitae Variant Classification Sherloc (09022015). Collection method: clinical testing. Allele origin: germline.
Comment: In summary, the available evidence is currently insufficient to determine the role of this variant in disease. Therefore, it has been classified as a Variant of Uncertain Significance. Algorithms developed to predict the effect of missense changes on protein structure and function are either unavailable or do not agree on the potential impact of this missense change (SIFT: "Tolerated"; PolyPhen-2: "Probably Damaging"; Align-GVGD: "Class C0"). This variant has not been reported in the literature in individuals with DOCK8-related conditions. This variant is present in population databases (rs748124810, ExAC 0.002%). This sequence change replaces proline with serine at codon 257 of the DOCK8 protein (p.Pro257Ser). The proline residue is highly conserved and there is a moderate physicochemical difference between proline and serine.